The following is an entry in ClinVar:

ClinVar aggregate classification (germline): Uncertain significance. Review status: criteria provided, multiple submitters, no conflicts (2 of 4 stars). 3 submissions from 3 submitters: Uncertain significance (3). Last evaluated 2025-04-13.

Allele frequency attached by ClinVar (database versions not stated): ExAC 0.00001; TOPMed 0.00002; gnomAD exomes 0.00004 and 0.00001; gnomAD 0.00004.

Submissions (3):

Ambry Genetics
Classification: Uncertain significance. Last evaluated: 2025-04-13. Review status: criteria provided, single submitter. Criteria: Ambry Variant Classification Scheme 2023. Collection method: clinical testing. Allele origin: germline.

GeneDx
Classification: Uncertain significance. Last evaluated: 2024-12-03. Review status: criteria provided, single submitter. Criteria: GeneDx Variant Classification Process June 2021. Collection method: clinical testing. Allele origin: germline. Affected: yes.
Comment: Not observed at significant frequency in large population cohorts (gnomAD); In silico analysis indicates that this missense variant does not alter protein structure/function; Has not been previously published as pathogenic or benign to our knowledge

Labcorp Genetics (formerly Invitae), Labcorp
Classification: Uncertain significance. Last evaluated: 2022-05-12. Review status: criteria provided, single submitter. Criteria: Invitae Variant Classification Sherloc (09022015). Collection method: clinical testing. Allele origin: germline.
Comment: This sequence change replaces methionine, which is neutral and non-polar, with valine, which is neutral and non-polar, at codon 1801 of the SBF1 protein (p.Met1801Val). This variant is present in population databases (rs758345719, gnomAD 0.003%). This variant has not been reported in the literature in individuals affected with SBF1-related conditions. Algorithms developed to predict the effect of missense changes on protein structure and function (SIFT, PolyPhen-2, Align-GVGD) all suggest that this variant is likely to be tolerated. In summary, the available evidence is currently insufficient to determine the role of this variant in disease. Therefore, it has been classified as a Variant of Uncertain Significance.

NM_002972.4(SBF1):c.5401A>G (p.Met1801Val)

Gene: SBF1 (SET binding factor 1; minus strand). Cytogenetic location: 22q13.33.
Variant type: single nucleotide variant.
Coding change: c.5401A>G on transcript NM_002972.4 (MANE Select); coding-DNA position 5401, A replaced by G.
Protein change: p.Met1801Val; replaces methionine 1801 with valine.
Molecular consequence: missense variant.
Genome position (GRCh38, 1-based): chr22:50,447,572, T>C on the plus strand (A>G on the coding strand, the complement: SBF1 is on the minus strand). VCF-style: chr22-50447572-T-C. GRCh37 (hg19) VCF-style: chr22-50886001-T-C.
Other names: c.5326A>G, p.Met1776Val (NM_001365819.1); short protein forms M1801V, M1776V.
Identifiers: ClinVar variation 1443144 (VCV001443144.8), dbSNP rs758345719, ClinGen allele CA10315870.